The following is an entry in ClinVar:

NM_000784.4(CYP27A1):c.24G>A (p.Arg8=)

Gene: CYP27A1 (cytochrome P450 family 27 subfamily A member 1; plus strand). Cytogenetic location: 2q35.
Variant type: single nucleotide variant.
Coding change: c.24G>A on transcript NM_000784.4 (MANE Select); coding-DNA position 24, G replaced by A.
Protein change: p.Arg8=; no amino-acid change (arginine 8 retained).
Molecular consequence: synonymous variant.
Genome position (GRCh38, 1-based): chr2:218,782,206, G>A. VCF-style: chr2-218782206-G-A. GRCh37 (hg19) VCF-style: chr2-219646929-G-A.
Other names: c.24G>A (NM_000784.3).
Identifiers: ClinVar variation 3678350 (VCV003678350.3).

ClinVar aggregate classification (germline): Conflicting classifications of pathogenicity. Review status: criteria provided, conflicting classifications (1 of 4 stars). 2 submissions from 2 submitters: Uncertain significance (1); Likely benign (1). Last evaluated 2025-12-22.

Conditions:
Cholestanol storage disease (CTX). Also called: CEREBRAL CHOLESTERINOSIS; CTX: Cerebrotendinous xanthomatosis; Cerebrotendinous Xanthomatosis. Identifiers: Orphanet 909, MedGen C0238052, MONDO:0008948, OMIM 213700.

gnomAD v4.1: 1 of 1,538,792 alleles (0.000065%); highest among the groups gnomAD compares: Non-Finnish European, 0.000087%; no homozygotes.

Submissions (2):

Labcorp Genetics (formerly Invitae), Labcorp
Classification: Likely benign for Cholestanol storage disease. Last evaluated: 2025-12-22. Review status: criteria provided, single submitter. Criteria: Invitae Variant Classification Sherloc (09022015). Collection method: clinical testing. Allele origin: germline.

GeneDx
Classification: Uncertain significance. Last evaluated: 2024-12-04. Review status: criteria provided, single submitter. Criteria: GeneDx Variant Classification Process June 2021. Collection method: clinical testing. Allele origin: germline. Affected: yes.
Comment: Not observed at significant frequency in large population cohorts (gnomAD); In silico analysis indicates that this variant does not alter splicing; Has not been previously published as pathogenic or benign to our knowledge